The following is an entry in ClinVar:

NM_199355.4(ADAMTS18):c.952A>G (p.Ile318Val)

Gene: ADAMTS18 (ADAM metallopeptidase with thrombospondin type 1 motif 18; minus strand). Cytogenetic location: 16q23.1.
Variant type: single nucleotide variant.
Coding change: c.952A>G on transcript NM_199355.4 (MANE Select); coding-DNA position 952, A replaced by G.
Protein change: p.Ile318Val; replaces isoleucine 318 with valine.
Molecular consequence: missense variant.
Genome position (GRCh38, 1-based): chr16:77,364,208, T>C on the plus strand (A>G on the coding strand, the complement: ADAMTS18 is on the minus strand). VCF-style: chr16-77364208-T-C. GRCh37 (hg19) VCF-style: chr16-77398105-T-C.
Other names: c.436A>G, p.Ile146Val (NM_001326358.2); short protein forms I146V, I318V.
Identifiers: ClinVar variation 3716667 (VCV003716667.2).

ClinVar aggregate classification (germline): Uncertain significance (1 of 4 stars; one submission).

gnomAD v4.1: 4 of 1,614,096 alleles (0.00025%); highest among the groups gnomAD compares: Non-Finnish European, 0.00034%; no homozygotes.

Submission:

Labcorp Genetics (formerly Invitae), Labcorp
Classification: Uncertain significance. Last evaluated: 2024-06-02. Review status: criteria provided, single submitter. Criteria: Invitae Variant Classification Sherloc (09022015). Collection method: clinical testing. Allele origin: germline.
Comment: This sequence change replaces isoleucine, which is neutral and non-polar, with valine, which is neutral and non-polar, at codon 318 of the ADAMTS18 protein (p.Ile318Val). This variant is not present in population databases (gnomAD no frequency). This variant has not been reported in the literature in individuals affected with ADAMTS18-related conditions. An algorithm developed to predict the effect of missense changes on protein structure and function (PolyPhen-2) suggests that this variant is likely to be tolerated. In summary, the available evidence is currently insufficient to determine the role of this variant in disease. Therefore, it has been classified as a Variant of Uncertain Significance.